The following is an entry in ClinVar:

NM_000444.6(PHEX):c.1313T>C (p.Leu438Ser)

Gene: PHEX (phosphate regulating endopeptidase X-linked; plus strand). Cytogenetic location: Xp22.11.
Variant type: single nucleotide variant.
Coding change: c.1313T>C on transcript NM_000444.6 (MANE Select); coding-DNA position 1313, T replaced by C.
Protein change: p.Leu438Ser; replaces leucine 438 with serine.
Molecular consequence: missense variant.
Genome position (GRCh38, 1-based): chrX:22,133,533, T>C. VCF-style: chrX-22133533-T-C. GRCh37 (hg19) VCF-style: chrX-22151650-T-C.
Other names: c.1313T>C, p.Leu438Ser (NM_001282754.2); short protein forms L438S.
Identifiers: ClinVar variation 372646 (VCV000372646.11), dbSNP rs1057517904, ClinGen allele CA16043231.

ClinVar aggregate classification (germline): Conflicting classifications of pathogenicity. Review status: criteria provided, conflicting classifications (1 of 4 stars). 3 submissions from 3 submitters: Likely pathogenic (2); Uncertain significance (1). Last evaluated 2025-01-28.

Submissions (3):

Women's Health and Genetics/Laboratory Corporation of America, LabCorp
Classification: Uncertain significance. Last evaluated: 2025-01-28. Review status: criteria provided, single submitter. Criteria: LabCorp Variant Classification Summary - May 2015. Collection method: clinical testing. Allele origin: germline.
Comment: Variant summary: PHEX c.1313T>C (p.Leu438Ser) results in a non-conservative amino acid change in the encoded protein sequence. Three of five in-silico tools predict a benign effect of the variant on protein function. The variant was absent in 183336 control chromosomes. The available data on variant occurrences in the general population are insufficient to allow any conclusion about variant significance. c.1313T>C has been reported in the literature in at least one individual affected with X-Linked Hypophosphatemic Rickets (e.g., Labcorp, formerly Invitae). These data do not allow any conclusion about variant significance. To our knowledge, no experimental evidence demonstrating an impact on protein function has been reported. ClinVar contains an entry for this variant (Variation ID: 372646). Based on the evidence outlined above, the variant was classified as uncertain significance.

Labcorp Genetics (formerly Invitae), Labcorp
Classification: Likely pathogenic. Last evaluated: 2023-08-08. Review status: criteria provided, single submitter. Criteria: Invitae Variant Classification Sherloc (09022015). Collection method: clinical testing. Allele origin: germline.
Comment: In summary, the currently available evidence indicates that the variant is pathogenic, but additional data are needed to prove that conclusively. Therefore, this variant has been classified as Likely Pathogenic. This variant disrupts the p.Leu438 amino acid residue in PHEX. Other variant(s) that disrupt this residue have been observed in individuals with PHEX-related conditions (PMID: 22695891), which suggests that this may be a clinically significant amino acid residue. Advanced modeling of protein sequence and biophysical properties (such as structural, functional, and spatial information, amino acid conservation, physicochemical variation, residue mobility, and thermodynamic stability) performed at Invitae indicates that this missense variant is expected to disrupt PHEX protein function. ClinVar contains an entry for this variant (Variation ID: 372646). This missense change has been observed in individual(s) with hypophosphatemia (Invitae). This variant is not present in population databases (gnomAD no frequency). This sequence change replaces leucine, which is neutral and non-polar, with serine, which is neutral and polar, at codon 438 of the PHEX protein (p.Leu438Ser).

GeneDx
Classification: Likely pathogenic. Last evaluated: 2016-07-28. Review status: criteria provided, single submitter. Criteria: GeneDx Variant Classification (06012015). Collection method: clinical testing. Allele origin: germline. Affected: yes.
Comment: To our knowledge, the L438S variant in the PHEX gene has not been published as a pathogenic variant, nor has it been reported as a benign variant. It was not observed in approximately 6,500 individuals of European and African American ancestry in the NHLBI Exome Sequencing Project, indicating it is not a common benign variant in these populations. L438S is a non-conservative amino acid substitution, which is likely to impact secondary protein structure as these residues differ in polarity, charge, size and/or other properties. This substitution occurs at a position that is conserved across species and in silico analysis predicts this variant is probably damaging to the protein structure/function. Missense variants at the same amino acid (L438W) and in a nearby residue (R443H) have been reported in the Human Gene Mutation Database in association with hypophosphatemic rickets (Stenson et al., 2014), supporting the functional importance of this region of the protein. Therefore, this variant is likely pathogenic; however, the possibility that it is benign cannot be excluded.

Literature cited by the submitters: PubMed 22695891 (cited by Labcorp Genetics (formerly Invitae), Labcorp).